The following is an entry in ClinVar:

ClinVar aggregate classification (germline): Pathogenic (1 of 4 stars; one submission).

Allele frequency attached by ClinVar (database versions not stated): gnomAD exomes below 0.00001; ExAC 0.00001; gnomAD 0.00001; TOPMed 0.00002.
gnomAD v4.1: 4 of 1,614,050 alleles (0.00025%); highest among the groups gnomAD compares: African/African-American, 0.0053%; no homozygotes.

Submission:

Labcorp Genetics (formerly Invitae), Labcorp
Classification: Pathogenic. Last evaluated: 2024-03-07. Review status: criteria provided, single submitter. Criteria: Invitae Variant Classification Sherloc (09022015). Collection method: clinical testing. Allele origin: germline.
Comment: This sequence change creates a premature translational stop signal (p.Glu2921*) in the PCNT gene. It is expected to result in an absent or disrupted protein product. Loss-of-function variants in PCNT are known to be pathogenic (PMID: 18174396, 22821869). The frequency data for this variant in the population databases is considered unreliable, as metrics indicate poor data quality at this position in the gnomAD database. This variant has not been reported in the literature in individuals affected with PCNT-related conditions. For these reasons, this variant has been classified as Pathogenic.

Literature cited by the submitters: PubMed 18174396; PubMed 22821869.

NM_006031.6(PCNT):c.8761G>T (p.Glu2921Ter)

Gene: PCNT (pericentrin; plus strand). Cytogenetic location: 21q22.3.
Variant type: single nucleotide variant.
Coding change: c.8761G>T on transcript NM_006031.6 (MANE Select); coding-DNA position 8761, G replaced by T.
Protein change: p.Glu2921Ter; replaces glutamic acid 2921 with a stop codon.
Molecular consequence: nonsense.
Genome position (GRCh38, 1-based): chr21:46,435,913, G>T. VCF-style: chr21-46435913-G-T. GRCh37 (hg19) VCF-style: chr21-47855826-G-T.
Other names: c.8170G>T, p.Glu2724Ter (NM_001315529.2); short protein forms E2921*, E2724*.
Identifiers: ClinVar variation 2711889 (VCV002711889.3), dbSNP rs763746566, ClinGen allele CA10081082.